The following is an entry in ClinVar:

NM_013339.4(ALG6):c.796_799dup (p.Asp267delinsGlyTer)

Gene: ALG6 (ALG6 alpha-1,3-glucosyltransferase; plus strand). Cytogenetic location: 1p31.3.
Variant type: Duplication.
Coding change: c.796_799dup on transcript NM_013339.4 (MANE Select); coding-DNA positions 796 to 799, 4 bases duplicated (GTTG; older notation c.796_799dupGTTG).
Protein change: p.Asp267delinsGlyTer.
Molecular consequence: nonsense.
Genome position (GRCh38, 1-based): chr1:63,412,041-63,412,044, GTTG duplicated; duplicating any 4 consecutive bases within chr1:63,412,040-63,412,044 gives the same sequence; the c. name uses the placement nearest the transcript's 3' end. VCF-style (leftmost placement, unchanged base first): chr1-63412039-C-CGGTT. GRCh37 (hg19) VCF-style: chr1-63877710-C-CGGTT.
Identifiers: ClinVar variation 1338460 (VCV001338460.10), dbSNP rs2100421727, ClinGen allele CA2573051609.

ClinVar aggregate classification (germline): Pathogenic/Likely pathogenic. Review status: criteria provided, multiple submitters, no conflicts (2 of 4 stars). 2 submissions from 2 submitters: Pathogenic (1); Likely pathogenic (1). Last evaluated 2022-05-21.

Conditions:
ALG6-congenital disorder of glycosylation 1C (CDG1C). Also called: Congenital disorder of glycosylation, type Ic; CARBOHYDRATE-DEFICIENT GLYCOPROTEIN SYNDROME, TYPE I, WITH DEFICIENT GLYCOSYLATION OF DOLICHOL-LINKED OLIGOSACCHARIDE; CARBOHYDRATE-DEFICIENT GLYCOPROTEIN SYNDROME, TYPE V; Congenital disorder of glycosylation type 1C; CDG Ic. Identifiers: Orphanet 79320, MedGen C2930997, MONDO:0011291, OMIM 603147.

Submissions (2):

Labcorp Genetics (formerly Invitae), Labcorp
Classification: Pathogenic for ALG6-congenital disorder of glycosylation 1C. Last evaluated: 2022-05-21. Review status: criteria provided, single submitter. Criteria: Invitae Variant Classification Sherloc (09022015). Collection method: clinical testing. Allele origin: germline.
Comment: For these reasons, this variant has been classified as Pathogenic. Algorithms developed to predict the effect of sequence changes on RNA splicing suggest that this variant may disrupt the consensus splice site. ClinVar contains an entry for this variant (Variation ID: 1338460). This variant has not been reported in the literature in individuals affected with ALG6-related conditions. This variant is not present in population databases (gnomAD no frequency). This sequence change creates a premature translational stop signal (p.Asp267Glyfs*2) in the ALG6 gene. It is expected to result in an absent or disrupted protein product. Loss-of-function variants in ALG6 are known to be pathogenic (PMID: 19862844).

Genetic Services Laboratory, University of Chicago
Classification: Likely pathogenic. Last evaluated: 2018-12-14. Review status: criteria provided, single submitter. Criteria: ACMG Guidelines, 2015. Collection method: clinical testing. Allele origin: germline. Affected: yes.
Comment: DNA sequence analysis of the ALG6 gene demonstrated a 4 base pair duplication in exon 9, c.796_799dup. This duplication is predicted to result in an amino acid frameshift and create a premature stop codon 3 amino acids downstream of the sequence change, p.Asp267Glyfs*2. This sequence change is predicted to result in an abnormal transcript, which may be degraded, or may lead to the production of a truncated ALG6 protein with potentially abnormal function. While this duplication has not previously been described in the literature, other frameshift mutations in the ALG6 gene have been described in some patients with ALG6-related congenital disorder of glycosylation (PMID: 23430515). The c.796_799dup sequence change has not been reported in the EXAC or gnomAD population databases. Based on the above information, we classify this variant as a likely pathogenic variant.

Literature cited by the submitters: PubMed 19862844 (cited by Labcorp Genetics (formerly Invitae), Labcorp).